The following is an entry in ClinVar:

NM_000093.5(COL5A1):c.4374C>A (p.Asp1458Glu)

Gene: COL5A1 (collagen type V alpha 1 chain; plus strand). Cytogenetic location: 9q34.3.
Variant type: single nucleotide variant.
Coding change: c.4374C>A on transcript NM_000093.5 (MANE Select); coding-DNA position 4374, C replaced by A.
Protein change: p.Asp1458Glu; replaces aspartic acid 1458 with glutamic acid.
Molecular consequence: missense variant.
Genome position (GRCh38, 1-based): chr9:134,818,883, C>A. VCF-style: chr9-134818883-C-A. GRCh37 (hg19) VCF-style: chr9-137710729-C-A.
Other names: c.4374C>A, p.Asp1458Glu (NM_001278074.1); short protein forms D1458E.
Identifiers: ClinVar variation 1318620 (VCV001318620.9), dbSNP rs201335857, ClinGen allele CA375457423.

ClinVar aggregate classification (germline): Conflicting classifications of pathogenicity. Review status: criteria provided, conflicting classifications (1 of 4 stars). 2 submissions from 2 submitters: Uncertain significance (1); Benign (1). Last evaluated 2023-10-20.

Conditions:
Ehlers-Danlos syndrome, classic type, 1 (EDSCL1). Also called: EHLERS-DANLOS SYNDROME, GRAVIS TYPE; EHLERS-DANLOS SYNDROME, SEVERE CLASSIC TYPE; Ehlers-Danlos syndrome, type 1; EDS I; Ehlers-Danlos Syndrome, Classic Type, COL5A1-Related. Identifiers: MedGen C0268335, MONDO:0019567, OMIM 130000.

gnomAD v4.1: 1 of 1,612,954 alleles (0.000062%); highest among the groups gnomAD compares: Admixed American, 0.0017%; no homozygotes.

Submissions (2):

Labcorp Genetics (formerly Invitae), Labcorp
Classification: Benign for Ehlers-Danlos syndrome, classic type, 1. Last evaluated: 2023-10-20. Review status: criteria provided, single submitter. Criteria: Invitae Variant Classification Sherloc (09022015). Collection method: clinical testing. Allele origin: germline.

GeneDx
Classification: Uncertain significance. Last evaluated: 2021-04-02. Review status: criteria provided, single submitter. Criteria: GeneDx Variant Classification Process June 2021. Collection method: clinical testing. Allele origin: germline. Affected: yes.
Comment: Has not been previously published as pathogenic or benign to our knowledge; Not observed at a significant frequency in large population cohorts (Lek et al., 2016); In silico analysis supports that this missense variant does not alter protein structure/function; Occurs in the triple helical domain at the Y position in the canonical Gly-X-Y repeat; although this variant may have an effect on normal protein folding and function, missense substitution at the Y position is not a common mechanism of disease (Symoens et al., 2012; Stenson et al., 2014)